The following is an entry in ClinVar:

NM_004380.3(CREBBP):c.4719_4728+614del

Gene: CREBBP (CREB binding lysine acetyltransferase; minus strand). Cytogenetic location: 16p13.3.
Variant type: Deletion.
Coding change: c.4719_4728+614del on transcript NM_004380.3 (MANE Select); coding-DNA position 4719 through 614 bases into the intron after coding-DNA position 4728, 624 bases deleted.
Molecular consequence: splice donor variant.
Genome position (GRCh38, 1-based): chr16:3,735,422-3,736,045, 624 bases deleted. GRCh37 (hg19): chr16:3,785,425-3,786,048.
Other names: c.4605_4614+614del (NM_001079846.1).
Identifiers: ClinVar variation 3647231 (VCV003647231.2).

ClinVar aggregate classification (germline): Likely pathogenic (1 of 4 stars; one submission).

Conditions:
Rubinstein-Taybi syndrome (RSTS). Identifiers: Orphanet 783, MedGen C0035934, MONDO:0019188.

Submission:

Labcorp Genetics (formerly Invitae), Labcorp
Classification: Likely pathogenic for Rubinstein-Taybi syndrome. Last evaluated: 2024-03-21. Review status: criteria provided, single submitter. Criteria: Invitae Variant Classification Sherloc (09022015). Collection method: clinical testing. Allele origin: germline.
Comment: This variant results in the deletion of part of exon 28 (c.4719_4728+614del) of the CREBBP gene. It is expected to disrupt RNA splicing. Variants that disrupt the donor or acceptor splice site typically lead to a loss of protein function (PMID: 16199547), and loss-of-function variants in CREBBP are known to be pathogenic (PMID: 17052327, 18792986). This variant is not present in population databases (gnomAD no frequency). This variant has not been reported in the literature in individuals affected with CREBBP-related conditions. In summary, the currently available evidence indicates that the variant is pathogenic, but additional data are needed to prove that conclusively. Therefore, this variant has been classified as Likely Pathogenic.

Literature cited by the submitters: PubMed 16199547; PubMed 17052327; PubMed 18792986.